The following is an entry in ClinVar:

ClinVar aggregate classification (germline): Uncertain significance. Review status: criteria provided, multiple submitters, no conflicts (2 of 4 stars). 3 submissions from 3 submitters: Uncertain significance (2). 1 of the submissions does not count toward it. Last evaluated 2024-01-01.

Conditions:
GOT2-related disorder. Also called: GOT2-related condition.

Allele frequency attached by ClinVar (database versions not stated): gnomAD exomes 0.00006; ExAC 0.00015; ESP Exome Variant Server 0.00069; TOPMed 0.00074; gnomAD 0.00077; 1000 Genomes Project 30x 0.00078; 1000 Genomes Project 0.00100.

Submissions (3):

CeGaT Center for Human Genetics Tuebingen
Classification: Uncertain significance. Last evaluated: 2024-01-01. Review status: criteria provided, single submitter. Criteria: CeGaT Center For Human Genetics Tuebingen Variant Classification Criteria Version 2. Collection method: clinical testing. Allele origin: germline. Affected: yes. Observed: 2 variant alleles.

Labcorp Genetics (formerly Invitae), Labcorp
Classification: Uncertain significance. Last evaluated: 2022-09-26. Review status: criteria provided, single submitter. Criteria: Invitae Variant Classification Sherloc (09022015). Collection method: clinical testing. Allele origin: germline.
Comment: This sequence change replaces glutamine, which is neutral and polar, with glutamic acid, which is acidic and polar, at codon 357 of the GOT2 protein (p.Gln357Glu). This variant is present in population databases (rs112943773, gnomAD 0.2%). This variant has not been reported in the literature in individuals affected with GOT2-related conditions. Advanced modeling of protein sequence and biophysical properties (such as structural, functional, and spatial information, amino acid conservation, physicochemical variation, residue mobility, and thermodynamic stability) performed at Invitae indicates that this missense variant is not expected to disrupt GOT2 protein function. In summary, the available evidence is currently insufficient to determine the role of this variant in disease. Therefore, it has been classified as a Variant of Uncertain Significance.

PreventionGenetics, part of Exact Sciences
Classification: Likely benign for GOT2-related condition. Last evaluated: 2023-04-25. Review status: no assertion criteria provided. Collection method: clinical testing. Allele origin: germline. Not counted in ClinVar's aggregate classification.
Comment: This variant is classified as likely benign based on ACMG/AMP sequence variant interpretation guidelines (Richards et al. 2015 PMID: 25741868, with internal and published modifications).

NM_002080.4(GOT2):c.1069C>G (p.Gln357Glu)

Gene: GOT2 (glutamic-oxaloacetic transaminase 2; minus strand). Cytogenetic location: 16q21.
Variant type: single nucleotide variant.
Coding change: c.1069C>G on transcript NM_002080.4 (MANE Select); coding-DNA position 1069, C replaced by G.
Protein change: p.Gln357Glu; replaces glutamine 357 with glutamic acid.
Molecular consequence: missense variant.
Genome position (GRCh38, 1-based): chr16:58,709,518, G>C on the plus strand (C>G on the coding strand, the complement: GOT2 is on the minus strand). VCF-style: chr16-58709518-G-C. GRCh37 (hg19) VCF-style: chr16-58743422-G-C.
Other names: c.940C>G, p.Gln314Glu (NM_001286220.2); c.1069C>G (NM_002080.3); short protein forms Q314E, Q357E.
Identifiers: ClinVar variation 2080831 (VCV002080831.26), dbSNP rs112943773, ClinGen allele CA8090860.